The following is an entry in ClinVar:

ClinVar aggregate classification (germline): Uncertain significance. Review status: criteria provided, multiple submitters, no conflicts (2 of 4 stars). 2 submissions from 2 submitters: Uncertain significance (2). Last evaluated 2025-11-18.

Conditions:
EGFR-related lung cancer (EGFR). Identifiers: MedGen CN130014.
Hereditary cancer-predisposing syndrome. Also called: Tumor predisposition; Hereditary neoplastic syndrome; Neoplastic Syndromes, Hereditary; Hereditary Cancer Syndrome. Identifiers: Orphanet 140162, MedGen C0027672, MeSH D009386, MONDO:0015356.

Submissions (2):

Ambry Genetics
Classification: Uncertain significance for Hereditary cancer-predisposing syndrome. Last evaluated: 2025-11-18. Review status: criteria provided, single submitter. Criteria: Ambry Variant Classification Scheme 2023. Collection method: clinical testing. Allele origin: germline.
Comment: The p.R670S variant (also known as c.2010G>C), located in coding exon 17 of the EGFR gene, results from a G to C substitution at nucleotide position 2010. The arginine at codon 670 is replaced by serine, an amino acid with dissimilar properties. This amino acid position is conserved. In addition, the in silico prediction for this alteration is inconclusive. Based on the available evidence, the clinical significance of this variant remains unclear.

Labcorp Genetics (formerly Invitae), Labcorp
Classification: Uncertain significance for EGFR-related lung cancer. Last evaluated: 2025-06-04. Review status: criteria provided, single submitter. Criteria: Invitae Variant Classification Sherloc (09022015). Collection method: clinical testing. Allele origin: germline.
Comment: This sequence change replaces arginine, which is basic and polar, with serine, which is neutral and polar, at codon 670 of the EGFR protein (p.Arg670Ser). This variant is not present in population databases (gnomAD no frequency). This variant has not been reported in the literature in individuals affected with EGFR-related conditions. ClinVar contains an entry for this variant (Variation ID: 1981681). Invitae Evidence Modeling of protein sequence and biophysical properties (such as structural, functional, and spatial information, amino acid conservation, physicochemical variation, residue mobility, and thermodynamic stability) indicates that this missense variant is not expected to disrupt EGFR protein function with a negative predictive value of 80%. In summary, the available evidence is currently insufficient to determine the role of this variant in disease. Therefore, it has been classified as a Variant of Uncertain Significance.

NM_005228.5(EGFR):c.2010G>C (p.Arg670Ser)

Gene: EGFR (epidermal growth factor receptor; plus strand). Cytogenetic location: 7p11.2.
Variant type: single nucleotide variant.
Coding change: c.2010G>C on transcript NM_005228.5 (MANE Select); coding-DNA position 2010, G replaced by C.
Protein change: p.Arg670Ser; replaces arginine 670 with serine.
Molecular consequence: missense variant.
Genome position (GRCh38, 1-based): chr7:55,173,073, G>C. VCF-style: chr7-55173073-G-C. GRCh37 (hg19) VCF-style: chr7-55240766-G-C.
Other names: c.1875G>C, p.Arg625Ser (NM_001346897.2, NM_001346899.2); c.2010G>C, p.Arg670Ser (NM_001346898.2); c.1851G>C, p.Arg617Ser (NM_001346900.2); c.1209G>C, p.Arg403Ser (NM_001346941.2); short protein forms R403S, R617S, R670S, R625S.
Identifiers: ClinVar variation 1981681 (VCV001981681.5), dbSNP rs776875545, ClinGen allele CA367583124.
Genomic context (GRCh38, chr7:55,173,073, plus strand): 5'-GGTGGGGGCCCTCCTCTTGCTGCTGGTGGTGGCCCTGGGGATCGGCCTCTTCATGCGAAG[G>C]CGCCACATCGTTCGGAAGCGCACGCTGCGGAGGCTGCTGCAGGAGAGGGAGGTGAGTGCC-3'
Protein context (NP_005219.2, residues 660-680): VALGIGLFMR[Arg670Ser]RHIVRKRTLR